The following is an entry in ClinVar:

ClinVar aggregate classification (germline): Uncertain significance (1 of 4 stars; one submission).

Conditions:
Coffin-Siris syndrome 1 (CSS1). Also called: ARID1B-Related Coffin-Siris Syndrome; Mental retardation, autosomal dominant 12. Identifiers: Orphanet 1465, MedGen C3281201, MONDO:0007617, OMIM 135900. Disease mechanism: gain of function.

Allele frequency attached by ClinVar (database versions not stated): TOPMed 0.00002.

Submission:

Baylor Genetics
Classification: Uncertain significance for Coffin-Siris syndrome 1. Last evaluated: 2019-12-06. Review status: criteria provided, single submitter. Criteria: ACMG Guidelines, 2015. Collection method: clinical testing. Allele origin: unknown. Affected: yes.
Comment: This variant was determined to be of uncertain significance according to ACMG Guidelines, 2015 [PMID:25741868].

NM_001374828.1(ARID1B):c.5026G>T (p.Ala1676Ser)

Gene: ARID1B (AT-rich interaction domain 1B; plus strand). Cytogenetic location: 6q25.3.
Variant type: single nucleotide variant.
Coding change: c.5026G>T on transcript NM_001374828.1 (MANE Select); coding-DNA position 5026, G replaced by T.
Protein change: p.Ala1676Ser; replaces alanine 1676 with serine.
Molecular consequence: missense variant.
Genome position (GRCh38, 1-based): chr6:157,201,251, G>T. VCF-style: chr6-157201251-G-T. GRCh37 (hg19) VCF-style: chr6-157522385-G-T.
Other names: c.2527G>T, p.Ala843Ser (NM_001363725.2); c.4906G>T, p.Ala1636Ser (NM_001371656.1, NM_001374820.1); c.4867G>T, p.Ala1623Ser (NM_017519.3); short protein forms A1676S, A843S, A1623S, A1636S.
Identifiers: ClinVar variation 1029467 (VCV001029467.1), dbSNP rs1794096456, ClinGen allele CA366242335.